The following is an entry in ClinVar:

NM_182760.4(SUMF1):c.903G>A (p.Trp301Ter)

Gene: SUMF1 (sulfatase modifying factor 1; minus strand). Cytogenetic location: 3p26.1.
Variant type: single nucleotide variant.
Coding change: c.903G>A on transcript NM_182760.4 (MANE Select); coding-DNA position 903, G replaced by A.
Protein change: p.Trp301Ter; replaces tryptophan 301 with a stop codon.
Molecular consequence: nonsense.
Genome position (GRCh38, 1-based): chr3:4,410,916, C>T on the plus strand (G>A on the coding strand, the complement: SUMF1 is on the minus strand). VCF-style: chr3-4410916-C-T. GRCh37 (hg19) VCF-style: chr3-4452600-C-T.
Other names: c.828G>A, p.Trp276Ter (NM_001164674.2); c.903G>A, p.Trp301Ter (NM_001164675.2); short protein forms W301*, W276*.
Identifiers: ClinVar variation 1409518 (VCV001409518.6), dbSNP rs1274564118, ClinGen allele CA351631306.
Genomic context (GRCh38, chr3:4,410,916, plus strand): 5'-AATACTCACTGGGTTAAGCGTTTCTTCAACAGAATGATGAACAGTCCACCAGTCTGAAGT[C>T]CATTCCCATGCGTTCCCCACTATGTTGTATAAGCCATAACCATTGGGAGGGAAGGCATCA-3'

ClinVar aggregate classification (germline): Pathogenic (1 of 4 stars; one submission).

Conditions:
Multiple sulfatase deficiency (MSD). Also called: Mucosulfatidosis; Multiple Sulfatase Deficiency Disease; Sulfatidosis, Juvenile, Austin Type. Identifiers: Orphanet 585, MedGen C0268263, MONDO:0010088, OMIM 272200.

Allele frequency attached by ClinVar (database versions not stated): gnomAD exomes below 0.00001; gnomAD 0.00001.
gnomAD v4.1: 5 of 1,613,980 alleles (0.00031%); highest among the groups gnomAD compares: Non-Finnish European, 0.00042%; no homozygotes.

Submission:

Labcorp Genetics (formerly Invitae), Labcorp
Classification: Pathogenic for Multiple sulfatase deficiency. Last evaluated: 2024-07-03. Review status: criteria provided, single submitter. Criteria: Invitae Variant Classification Sherloc (09022015). Collection method: clinical testing. Allele origin: germline.
Comment: This sequence change creates a premature translational stop signal (p.Trp301*) in the SUMF1 gene. It is expected to result in an absent or disrupted protein product. Loss-of-function variants in SUMF1 are known to be pathogenic (PMID: 12757705, 12757706, 25885655). This variant is present in population databases (no rsID available, gnomAD 0.0009%). This variant has not been reported in the literature in individuals affected with SUMF1-related conditions. ClinVar contains an entry for this variant (Variation ID: 1409518). For these reasons, this variant has been classified as Pathogenic.

Literature cited by the submitters: PubMed 12757705; PubMed 12757706; PubMed 25885655.